The following is an entry in ClinVar:

NM_000135.4(FANCA):c.4167+4G>A

Genes: ZNF276 (zinc finger protein 276; plus strand), FANCA (FA complementation group A; minus strand). Cytogenetic location: 16q24.3.
Variant type: single nucleotide variant.
Coding change: c.4167+4G>A on transcript NM_000135.4 (MANE Select); 4 bases into the intron after coding-DNA position 4167, G replaced by A.
Molecular consequence: intron variant. On other transcripts: missense variant (1), 3 prime UTR variant (2), non-coding transcript variant (4).
Genome position (GRCh38, 1-based): chr16:89,739,129, C>T on the plus strand (G>A on the coding strand, the complement: FANCA is on the minus strand). VCF-style: chr16-89739129-C-T. GRCh37 (hg19) VCF-style: chr16-89805537-C-T.
Other names: c.4171G>A, p.Gly1391Arg (NM_001286167.3); c.*883C>T (NM_001113525.2, NM_152287.4); short protein forms G1391R.
Identifiers: ClinVar variation 836067 (VCV000836067.7), dbSNP rs370080063, ClinGen allele CA8250766.

ClinVar aggregate classification (germline): Uncertain significance. Review status: criteria provided, single submitter (1 of 4 stars). 2 submissions from 2 submitters: Uncertain significance (1). 1 of the submissions does not count toward it. Last evaluated 2022-06-18.

Conditions:
Fanconi anemia (FA). Also called: Fanconi's anemia. Identifiers: Orphanet 84, MedGen C0015625, MeSH D005199, MONDO:0019391.
Fanconi anemia complementation group A (FANCA). Also called: FANCA-Related Fanconi Anemia; Fanconi anemia, group A. Identifiers: Orphanet 84, MedGen C3469521, MONDO:0009215, OMIM 227650.

Allele frequency attached by ClinVar (database versions not stated): gnomAD exomes below 0.00001 and 0.00001; ExAC 0.00001; gnomAD 0.00001; TOPMed 0.00001; ESP Exome Variant Server 0.00008.
gnomAD v4.1: 11 of 1,614,040 alleles (0.00068%); highest among the groups gnomAD compares: Middle Eastern, 0.033%; no homozygotes.

Submissions (2):

Labcorp Genetics (formerly Invitae), Labcorp
Classification: Uncertain significance for Fanconi anemia. Last evaluated: 2022-06-18. Review status: criteria provided, single submitter. Criteria: Invitae Variant Classification Sherloc (09022015). Collection method: clinical testing. Allele origin: germline.
Comment: This sequence change falls in intron 41 of the FANCA gene. It does not directly change the encoded amino acid sequence of the FANCA protein. It affects a nucleotide within the consensus splice site. This variant is present in population databases (rs370080063, gnomAD no frequency). This variant has not been reported in the literature in individuals affected with FANCA-related conditions. ClinVar contains an entry for this variant (Variation ID: 836067). Variants that disrupt the consensus splice site are a relatively common cause of aberrant splicing (PMID: 17576681, 9536098). Algorithms developed to predict the effect of sequence changes on RNA splicing suggest that this variant may disrupt the consensus splice site. In summary, the available evidence is currently insufficient to determine the role of this variant in disease. Therefore, it has been classified as a Variant of Uncertain Significance.

Natera, Inc.
Classification: Uncertain significance for Fanconi anemia, group A. Last evaluated: 2020-09-16. Review status: no assertion criteria provided. Collection method: clinical testing. Allele origin: germline. Not counted in ClinVar's aggregate classification.

Literature cited by the submitters: PubMed 17576681 (cited by Labcorp Genetics (formerly Invitae), Labcorp); PubMed 9536098 (cited by Labcorp Genetics (formerly Invitae), Labcorp).